The following is an entry in ClinVar:

NM_016203.4(PRKAG2):c.1050G>T (p.Arg350Ser)

Gene: PRKAG2 (protein kinase AMP-activated non-catalytic subunit gamma 2; minus strand). Cytogenetic location: 7q36.1.
Variant type: single nucleotide variant.
Coding change: c.1050G>T on transcript NM_016203.4 (MANE Select); coding-DNA position 1050, G replaced by T.
Protein change: p.Arg350Ser; replaces arginine 350 with serine.
Molecular consequence: missense variant.
Genome position (GRCh38, 1-based): chr7:151,572,665, C>A on the plus strand (G>T on the coding strand, the complement: PRKAG2 is on the minus strand). VCF-style: chr7-151572665-C-A. GRCh37 (hg19) VCF-style: chr7-151269751-C-A.
Other names: c.918G>T, p.Arg306Ser (NM_001040633.2, NM_001407024.1); c.675G>T, p.Arg225Ser (NM_001304527.2, NM_001407029.1); c.327G>T, p.Arg109Ser (NM_001304531.2, NM_001407034.1, NM_001407035.1 and 1 more transcripts); c.678G>T, p.Arg226Ser (NM_001363698.2, NM_001407028.1); c.1050G>T, p.Arg350Ser (NM_001407021.1); c.1047G>T, p.Arg349Ser (NM_001407022.1, NM_001407023.1); c.915G>T, p.Arg305Ser (NM_001407026.1, NM_001407027.1); c.762G>T, p.Arg254Ser (NM_001407030.1); and 6 more; short protein forms R108S, R109S, R125S, R129S, R225S, R226S, R242S, R244S.
Identifiers: ClinVar variation 4887850 (VCV004887850.1).

ClinVar aggregate classification (germline): Uncertain significance (1 of 4 stars; one submission).

Submission:

GeneDx
Classification: Uncertain significance. Last evaluated: 2026-02-27. Review status: criteria provided, single submitter. Criteria: GeneDx Variant Classification Process June 2021. Collection method: clinical testing. Allele origin: germline.
Comment: Not observed at significant frequency in large population cohorts (gnomAD); In silico analysis supports that this missense variant has a deleterious effect on protein structure/function; Has not been previously published as pathogenic or benign to our knowledge